The following is an entry in ClinVar:

NM_001458.5(FLNC):c.214G>A (p.Ala72Thr)

Gene: FLNC (filamin C; plus strand). Cytogenetic location: 7q32.1.
Variant type: single nucleotide variant.
Coding change: c.214G>A on transcript NM_001458.5 (MANE Select); coding-DNA position 214, G replaced by A.
Protein change: p.Ala72Thr; replaces alanine 72 with threonine.
Molecular consequence: missense variant.
Genome position (GRCh38, 1-based): chr7:128,830,851, G>A. VCF-style: chr7-128830851-G-A. GRCh37 (hg19) VCF-style: chr7-128470905-G-A.
Other names: c.214G>A (NM_001458.4); c.214G>A, p.Ala72Thr (NM_001127487.2); short protein forms A72T.
Identifiers: ClinVar variation 1359797 (VCV001359797.8), dbSNP rs751548628, ClinGen allele CA4473978.
Genomic context (GRCh38, chr7:128,830,851, plus strand): 5'-TGCGTGGGCAAGCGCCTGACCGACCTGCAGCGCGACCTCAGCGACGGGCTCCGGCTCATC[G>A]CGCTGCTCGAGGTGCTCAGCCAGAAGCGCATGTACCGCAAGTTCCATCCGCGCCCCAACT-3'
Protein context (NP_001449.3, residues 62-82): RDLSDGLRLI[Ala72Thr]LLEVLSQKRM

ClinVar aggregate classification (germline): Uncertain significance. Review status: criteria provided, multiple submitters, no conflicts (2 of 4 stars). 2 submissions from 2 submitters: Uncertain significance (2). Last evaluated 2025-05-16.

Conditions:
Distal myopathy with posterior leg and anterior hand involvement. Also called: WILLIAMS DISTAL MYOPATHY. Identifiers: Orphanet 63273, MedGen C3279722, MONDO:0013550, OMIM 614065.
Myofibrillar myopathy 5. Also called: Filaminopathy (type); FILAMINOPATHY, AUTOSOMAL DOMINANT. Identifiers: Orphanet 171445, MedGen C1836050, MONDO:0012289, OMIM 609524.
Hypertrophic cardiomyopathy 26. Also called: Cardiomyopathy, familial hypertrophic, 26. Identifiers: Orphanet 75249, MedGen C4310749, MONDO:0014883, OMIM 617047.
Dilated Cardiomyopathy, Dominant.
Cardiovascular phenotype. Identifiers: MedGen CN230736.

Allele frequency attached by ClinVar (database versions not stated): gnomAD 0.00001; gnomAD exomes 0.00001 and 0.00002; TOPMed 0.00001; ExAC 0.00004.

Submissions (2):

Ambry Genetics
Classification: Uncertain significance for Cardiovascular phenotype. Last evaluated: 2025-05-16. Review status: criteria provided, single submitter. Criteria: Ambry Variant Classification Scheme 2023. Collection method: clinical testing. Allele origin: germline.

Labcorp Genetics (formerly Invitae), Labcorp
Classification: Uncertain significance for Distal myopathy with posterior leg and anterior hand involvement; Myofibrillar myopathy 5; Hypertrophic cardiomyopathy 26. Last evaluated: 2021-04-13. Review status: criteria provided, single submitter. Criteria: Invitae Variant Classification Sherloc (09022015). Collection method: clinical testing. Allele origin: germline.
Comment: This sequence change replaces alanine with threonine at codon 72 of the FLNC protein (p.Ala72Thr). The alanine residue is moderately conserved and there is a small physicochemical difference between alanine and threonine. This variant is present in population databases (rs751548628, ExAC 0.02%). This variant has not been reported in the literature in individuals with FLNC-related conditions. Algorithms developed to predict the effect of missense changes on protein structure and function are either unavailable or do not agree on the potential impact of this missense change (SIFT: "Deleterious"; PolyPhen-2: "Benign"; Align-GVGD: "Class C0"). In summary, the available evidence is currently insufficient to determine the role of this variant in disease. Therefore, it has been classified as a Variant of Uncertain Significance.